The following is an entry in ClinVar:

NM_004525.3(LRP2):c.6049G>A (p.Glu2017Lys)

Gene: LRP2 (LDL receptor related protein 2; minus strand). Cytogenetic location: 2q31.1.
Variant type: single nucleotide variant.
Coding change: c.6049G>A on transcript NM_004525.3 (MANE Select); coding-DNA position 6049, G replaced by A.
Protein change: p.Glu2017Lys; replaces glutamic acid 2017 with lysine.
Molecular consequence: missense variant.
Genome position (GRCh38, 1-based): chr2:169,212,199, C>T on the plus strand (G>A on the coding strand, the complement: LRP2 is on the minus strand). VCF-style: chr2-169212199-C-T. GRCh37 (hg19) VCF-style: chr2-170068709-C-T.
Other names: short protein forms E2017K.
Identifiers: ClinVar variation 2207132 (VCV002207132.2), dbSNP rs751316544, ClinGen allele CA1954364.
Genomic context (GRCh38, chr2:169,212,199, plus strand): 5'-GTACAGGCAGGCAAATCTGCTGACAGGCATTCATGTTGTTGCTACAGCCATTTGAGGATT[C>T]GGCGGCATCTAAATGAAAACAAAATCCATTTGTAACTTTTGATCCTAGCTACTCGCCACC-3'
Protein context (NP_004516.2, residues 2007-2027): LQVYHRRNAA[Glu2017Lys]SSNGCSNNMN

ClinVar aggregate classification (germline): Uncertain significance (1 of 4 stars; one submission).

Conditions:
Inborn genetic diseases. Identifiers: MedGen C0950123, MeSH D030342.

Allele frequency attached by ClinVar (database versions not stated): gnomAD exomes 0.00001; gnomAD 0.00003; ExAC 0.00010.
gnomAD v4.1: 21 of 1,613,854 alleles (0.0013%); highest among the groups gnomAD compares: South Asian, 0.012%; no homozygotes.

Submission:

Ambry Genetics
Classification: Uncertain significance for Inborn genetic diseases. Last evaluated: 2021-01-12. Review status: criteria provided, single submitter. Criteria: Ambry Variant Classification Scheme 2023. Collection method: clinical testing. Allele origin: germline.
Comment: The c.6049G>A (p.E2017K) alteration is located in exon 37 (coding exon 37) of the LRP2 gene. This alteration results from a G to A substitution at nucleotide position 6049, causing the glutamic acid (E) at amino acid position 2017 to be replaced by a lysine (K). The p.E2017K alteration is predicted to be tolerated by in silico analysis. Based on insufficient or conflicting evidence, the clinical significance of this alteration remains unclear.